The following is an entry in ClinVar:

NM_000051.4(ATM):c.1017del (p.Ile339fs)

Gene: ATM (ATM serine/threonine kinase; plus strand). Cytogenetic location: 11q22.3.
Variant type: Deletion.
Coding change: c.1017del on transcript NM_000051.4 (MANE Select); coding-DNA position 1017, one base deleted (T; older notation c.1017delT).
Protein change: p.Ile339fs; shifts the reading frame from isoleucine 339.
Molecular consequence: frameshift variant.
Genome position (GRCh38, 1-based): chr11:108,247,079, T deleted; the last of 2 consecutive T bases (chr11:108,247,078-108,247,079); deleting either gives the same sequence. VCF-style (leftmost placement, unchanged base first): chr11-108247077-AT-A. GRCh37 (hg19) VCF-style: chr11-108117804-AT-A.
Other names: c.1017delT (NM_000051.3); c.1017del, p.Ile339fs (NM_001351834.2); short protein forms I339fs.
Identifiers: ClinVar variation 453350 (VCV000453350.20), dbSNP rs1469427343, ClinGen allele CA602132501.

ClinVar aggregate classification (germline): Pathogenic/Likely pathogenic. Review status: criteria provided, multiple submitters, no conflicts (2 of 4 stars). 7 submissions from 7 submitters: Pathogenic (5); Likely pathogenic (2). Last evaluated 2025-08-17.

Conditions:
Hereditary cancer-predisposing syndrome. Also called: Tumor predisposition; Hereditary Cancer Syndrome; Neoplastic Syndromes, Hereditary; Hereditary neoplastic syndrome. Identifiers: Orphanet 140162, MedGen C0027672, MeSH D009386, MONDO:0015356.
Ataxia-telangiectasia syndrome (AT). Also called: Cerebello-oculocutaneous telangiectasia; Immunodeficiency with ataxia telangiectasia; Ataxia-telangiectasia, complementation group D; AT, COMPLEMENTATION GROUP C; Ataxia-telangiectasia, complementation group E; LOUIS-BAR SYNDROME. Identifiers: Orphanet 100, MedGen C0004135, MONDO:0008840, OMIM 208900.
Familial cancer of breast. Also called: Hereditary breast cancer; hereditary breast carcinoma; BREAST CANCER, FAMILIAL. Identifiers: Orphanet 227535, MedGen C0346153, MONDO:0016419, OMIM 114480. Disease mechanism: loss of function.

Submissions (7):

Labcorp Genetics (formerly Invitae), Labcorp
Classification: Pathogenic for Ataxia-telangiectasia syndrome. Last evaluated: 2025-08-17. Review status: criteria provided, single submitter. Criteria: Invitae Variant Classification Sherloc (09022015). Collection method: clinical testing. Allele origin: germline.
Comment: This sequence change creates a premature translational stop signal (p.Ile339Metfs*7) in the ATM gene. It is expected to result in an absent or disrupted protein product. Loss-of-function variants in ATM are known to be pathogenic (PMID: 23807571, 25614872). This variant is present in population databases (no rsID available, gnomAD 0.02%). This premature translational stop signal has been observed in individual(s) with breast cancer (PMID: 32427313). ClinVar contains an entry for this variant (Variation ID: 453350). RNA analysis performed to evaluate the impact of this premature translational stop signal on mRNA splicing indicates it does not significantly alter splicing (internal data). For these reasons, this variant has been classified as Pathogenic.

Color Diagnostics, LLC DBA Color Health
Classification: Pathogenic for Hereditary cancer-predisposing syndrome. Last evaluated: 2024-08-13. Review status: criteria provided, single submitter. Criteria: ACMG Guidelines, 2015. Collection method: clinical testing. Allele origin: germline.
Comment: This variant deletes 1 nucleotide in exon 8/63 of the ATM gene, creating a frameshift and premature translation stop signal. This variant is expected to result in an absent or non-functional protein product. This variant has been reported in an individual affected with breast cancer (PMID: 33083949). This variant has been identified in 2/31406 chromosomes in the general population by the Genome Aggregation Database (gnomAD). Loss of ATM function is a known mechanism of disease. Based on the available evidence, this variant is classified as Pathogenic.

Natera, Inc.
Classification: Likely pathogenic for Ataxia-telangiectasia. Last evaluated: 2024-07-22. Review status: criteria provided, single submitter. Criteria: Natera Variant Classification Schema (03/2026). Collection method: clinical testing. Allele origin: germline.
Comment: The c.1017delT variant in ATM is a frameshift variant predicted to shift the reading frame beginning at codon 339 and leads to a stop codon 7 codons downstream. This variant is expected to result in nonsense mediated decay, truncation, or a dysfunctional protein product. This variant is rare in the general population with a frequency below the threshold expected for the associated phenotype(s). Given the available evidence, this variant is classified as Likely Pathogenic.

Fulgent Genetics
Classification: Pathogenic for Familial cancer of breast; Ataxia-telangiectasia syndrome. Last evaluated: 2024-03-28. Review status: criteria provided, single submitter. Criteria: ACMG Guidelines, 2015. Collection method: clinical testing. Allele origin: germline.

Myriad Genetics, Inc.
Classification: Pathogenic for Familial cancer of breast. Last evaluated: 2024-01-11. Review status: criteria provided, single submitter. Criteria: Myriad Autosomal Dominant, Autosomal Recessive and X-Linked Classification Criteria (2023). Collection method: clinical testing. Allele origin: unknown.
Comment: This variant is considered pathogenic. This variant creates a frameshift predicted to result in premature protein truncation.

Baylor Genetics
Classification: Likely pathogenic for Familial cancer of breast. Last evaluated: 2023-12-02. Review status: criteria provided, single submitter. Criteria: ACMG Guidelines, 2015. Collection method: clinical testing. Allele origin: unknown.

Ambry Genetics
Classification: Pathogenic for Hereditary cancer-predisposing syndrome. Last evaluated: 2023-03-27. Review status: criteria provided, single submitter. Criteria: Ambry Variant Classification Scheme 2023. Collection method: clinical testing. Allele origin: germline.
Comment: The c.1017delT pathogenic mutation, located in coding exon 7 of the ATM gene, results from a deletion of one nucleotide at nucleotide position 1017, causing a translational frameshift with a predicted alternate stop codon. This alteration is expected to result in loss of function by premature protein truncation or nonsense-mediated mRNA decay. As such, this alteration is interpreted as a disease-causing mutation.

Literature cited by the submitters: PubMed 23807571 (cited by Labcorp Genetics (formerly Invitae), Labcorp); PubMed 25614872 (cited by Labcorp Genetics (formerly Invitae), Labcorp); PubMed 32427313 (cited by Labcorp Genetics (formerly Invitae), Labcorp); PubMed 33083949 (cited by Color Diagnostics, LLC DBA Color Health).